The following is an entry in ClinVar:

ClinVar aggregate classification (germline): Conflicting classifications of pathogenicity. Review status: criteria provided, conflicting classifications (1 of 4 stars). 4 submissions from 4 submitters: Uncertain significance (2); Likely benign (2). Last evaluated 2025-10-08.

Conditions:
OTOG-related disorder. Also called: OTOG-related condition.

Allele frequency attached by ClinVar (database versions not stated): ExAC 0.00007; gnomAD exomes 0.00010; gnomAD 0.00058 and 0.00061; TOPMed 0.00058; 1000 Genomes Project 0.00060; 1000 Genomes Project 30x 0.00109.
gnomAD v4.1: 167 of 1,549,202 alleles (0.011%); highest among the groups gnomAD compares: African/African-American, 0.21%; no homozygotes.

Submissions (4):

Labcorp Genetics (formerly Invitae), Labcorp
Classification: Likely benign. Last evaluated: 2025-10-08. Review status: criteria provided, single submitter. Criteria: Invitae Variant Classification Sherloc (09022015). Collection method: clinical testing. Allele origin: germline.

PreventionGenetics, part of Exact Sciences
Classification: Likely benign for OTOG-related condition. Last evaluated: 2025-01-10. Review status: criteria provided, single submitter. Criteria: ACMG Guidelines, 2015. Collection method: clinical testing. Allele origin: germline.
Comment: This variant is classified as likely benign based on ACMG/AMP sequence variant interpretation guidelines (Richards et al. 2015 PMID: 25741868, with internal and published modifications).

Blueprint Genetics
Classification: Uncertain significance. Last evaluated: 2024-02-19. Review status: criteria provided, single submitter. Criteria: ACMG Guidelines, 2015. Collection method: clinical testing. Allele origin: germline.

GeneDx
Classification: Uncertain significance. Last evaluated: 2021-04-19. Review status: criteria provided, single submitter. Criteria: GeneDx Variant Classification Process June 2021. Collection method: clinical testing. Allele origin: germline. Affected: yes.
Comment: In silico analysis supports that this missense variant does not alter protein structure/function; Has not been previously published as pathogenic or benign to our knowledge

NM_001292063.2(OTOG):c.7324C>G (p.Leu2442Val)

Gene: OTOG (otogelin; plus strand). Cytogenetic location: 11p15.1.
Variant type: single nucleotide variant.
Coding change: c.7324C>G on transcript NM_001292063.2 (MANE Select); coding-DNA position 7324, C replaced by G.
Protein change: p.Leu2442Val; replaces leucine 2442 with valine.
Molecular consequence: missense variant.
Genome position (GRCh38, 1-based): chr11:17,634,125, C>G. VCF-style: chr11-17634125-C-G. GRCh37 (hg19) VCF-style: chr11-17655672-C-G.
Other names: c.7360C>G, p.Leu2454Val (NM_001277269.2); short protein forms L2442V, L2454V.
Identifiers: ClinVar variation 1190409 (VCV001190409.12), dbSNP rs573071858, ClinGen allele CA5906121.
Genomic context (GRCh38, chr11:17,634,125, plus strand): 5'-GCAGCCTGCACTGACAGCATGGGGGTGCCGAGGGCCCTGGGGGAGACCTGGAACAGCTCC[C>G]TCAGCGGCTGCTGCCAGCACCAGTGCCAAGCCCCAGACACCATTGTCCCGGTGGATCTGG-3'
Protein context (NP_001278992.1, residues 2432-2452): RALGETWNSS[Leu2442Val]SGCCQHQCQA